The following is an entry in ClinVar:

ClinVar aggregate classification (germline): Uncertain significance (1 of 4 stars; one submission).

Conditions:
Neonatal-onset encephalopathy with rigidity and seizures. Also called: Lethal neonatal spasticity-epileptic encephalopathy syndrome. Identifiers: Orphanet 435845, MedGen C3281029, MONDO:0013784, OMIM 614498.

Submission:

Labcorp Genetics (formerly Invitae), Labcorp
Classification: Uncertain significance for Neonatal-onset encephalopathy with rigidity and seizures. Last evaluated: 2022-09-01. Review status: criteria provided, single submitter. Criteria: Invitae Variant Classification Sherloc (09022015). Collection method: clinical testing. Allele origin: germline.
Comment: This sequence change falls in intron 7 of the BRAT1 gene. It does not directly change the encoded amino acid sequence of the BRAT1 protein. It affects a nucleotide within the consensus splice site. This variant is not present in population databases (gnomAD no frequency). This variant has not been reported in the literature in individuals affected with BRAT1-related conditions. Variants that disrupt the consensus splice site are a relatively common cause of aberrant splicing (PMID: 17576681, 9536098). Algorithms developed to predict the effect of sequence changes on RNA splicing suggest that this variant is not likely to affect RNA splicing. In summary, the available evidence is currently insufficient to determine the role of this variant in disease. Therefore, it has been classified as a Variant of Uncertain Significance.

Literature cited by the submitters: PubMed 17576681; PubMed 9536098.

NM_152743.4(BRAT1):c.1015+4T>C

Gene: BRAT1 (BRCA1 associated ATM activator 1; minus strand). Cytogenetic location: 7p22.3.
Variant type: single nucleotide variant.
Coding change: c.1015+4T>C on transcript NM_152743.4 (MANE Select); 4 bases into the intron after coding-DNA position 1015, T replaced by C.
Molecular consequence: intron variant.
Genome position (GRCh38, 1-based): chr7:2,542,116, A>G on the plus strand (T>C on the coding strand, the complement: BRAT1 is on the minus strand). VCF-style: chr7-2542116-A-G. GRCh37 (hg19) VCF-style: chr7-2581750-A-G.
Other names: c.490+4T>C (NM_001350627.2); c.1015+4T>C (NM_001350626.2).
Identifiers: ClinVar variation 1970669 (VCV001970669.5), dbSNP rs2534360714, ClinGen allele CA2580077097.